The following is an entry in ClinVar:

NM_000719.7(CACNA1C):c.4918G>A (p.Val1640Met)

Genes: CACNA1C (calcium voltage-gated channel subunit alpha1 C; plus strand), CACNA1C-AS1 (CACNA1C antisense RNA 1; minus strand). Cytogenetic location: 12p13.33.
Variant type: single nucleotide variant.
Coding change: c.4918G>A on transcript NM_000719.7 (MANE Select); coding-DNA position 4918, G replaced by A.
Protein change: p.Val1640Met; replaces valine 1640 with methionine.
Molecular consequence: missense variant. On other transcripts: non-coding transcript variant (1).
Genome position (GRCh38, 1-based): chr12:2,677,183, G>A. VCF-style: chr12-2677183-G-A. GRCh37 (hg19) VCF-style: chr12-2786349-G-A.
Other names: c.5062G>A, p.Val1688Met (NM_001129827.2, NM_199460.4); c.5041G>A, p.Val1681Met (NM_001129829.2); c.4918G>A, p.Val1640Met (NM_001129830.3, NM_001129840.2, NM_001129841.2 and 4 more transcripts); c.5002G>A, p.Val1668Met (NM_001129831.2); c.4978G>A, p.Val1660Met (NM_001129832.2); c.4975G>A, p.Val1659Met (NM_001129833.2, NM_001129834.2, NM_001129835.2); c.4969G>A, p.Val1657Met (NM_001129836.2); c.4942G>A, p.Val1648Met (NM_001129837.2, NM_001129838.2); and 4 more; short protein forms V1629M, V1637M, V1640M, V1646M, V1648M, V1657M, V1659M, V1660M.
Identifiers: ClinVar variation 1059194 (VCV001059194.10), dbSNP rs2096865558, ClinGen allele CA383378089.
Genomic context (GRCh38, chr12:2,677,183, plus strand): 5'-GCCACGTTCCTGATCCAGGAGTACTTCCGGAAGTTCAAGAAGCGCAAAGAGCAGGGCCTT[G>A]TGGGCAAGCCCTCCCAGAGGAACGCGCTGTCTCTGCAGGTGAGGGCCTGGGGGCGGGCCC-3'
Protein context (NP_000710.5, residues 1630-1650): KFKKRKEQGL[Val1640Met]GKPSQRNALS

ClinVar aggregate classification (germline): Uncertain significance. Review status: criteria provided, multiple submitters, no conflicts (2 of 4 stars). 2 submissions from 2 submitters: Uncertain significance (2). Last evaluated 2025-04-17.

Conditions:
Long QT syndrome (LQTS). Identifiers: MedGen C0023976, MeSH D008133, MONDO:0002442. Disease mechanism: loss of function. Inheritance: Various modes of inheritance.

Allele frequency attached by ClinVar (database versions not stated): TOPMed 0.00001.

Submissions (2):

Labcorp Genetics (formerly Invitae), Labcorp
Classification: Uncertain significance for Long QT syndrome. Last evaluated: 2025-04-17. Review status: criteria provided, single submitter. Criteria: Invitae Variant Classification Sherloc (09022015). Collection method: clinical testing. Allele origin: germline.
Comment: This sequence change replaces valine, which is neutral and non-polar, with methionine, which is neutral and non-polar, at codon 1640 of the CACNA1C protein (p.Val1640Met). This variant is not present in population databases (gnomAD no frequency). This variant has not been reported in the literature in individuals affected with CACNA1C-related conditions. ClinVar contains an entry for this variant (Variation ID: 1059194). Invitae Evidence Modeling of protein sequence and biophysical properties (such as structural, functional, and spatial information, amino acid conservation, physicochemical variation, residue mobility, and thermodynamic stability) indicates that this missense variant is not expected to disrupt CACNA1C protein function with a negative predictive value of 80%. In summary, the available evidence is currently insufficient to determine the role of this variant in disease. Therefore, it has been classified as a Variant of Uncertain Significance.

GeneDx
Classification: Uncertain significance. Last evaluated: 2025-03-09. Review status: criteria provided, single submitter. Criteria: GeneDx Variant Classification Process June 2021. Collection method: clinical testing. Allele origin: germline. Affected: yes.
Comment: Not observed at significant frequency in large population cohorts (gnomAD); In silico analysis indicates that this missense variant does not alter protein structure/function; Has not been previously published as pathogenic or benign to our knowledge